The following is an entry in ClinVar:

ClinVar aggregate classification (germline): Conflicting classifications of pathogenicity. Review status: criteria provided, conflicting classifications (1 of 4 stars). 3 submissions from 3 submitters: Uncertain significance (2); Likely benign (1). Last evaluated 2024-02-22.

Conditions:
Cardiovascular phenotype. Identifiers: MedGen CN230736.

Allele frequency attached by ClinVar (database versions not stated): gnomAD exomes 0.00003 and 0.00001; TOPMed 0.00002; gnomAD 0.00003.
gnomAD v4.1: 13 of 1,500,962 alleles (0.00087%); highest among the groups gnomAD compares: Admixed American, 0.022%; no homozygotes.

Submissions (3):

Ambry Genetics
Classification: Uncertain significance for Cardiovascular phenotype. Last evaluated: 2024-02-22. Review status: criteria provided, single submitter. Criteria: Ambry Variant Classification Scheme 2023. Collection method: clinical testing. Allele origin: germline.
Comment: The p.T198A variant (also known as c.592A>G), located in coding exon 7 of the TRDN gene, results from an A to G substitution at nucleotide position 592. The threonine at codon 198 is replaced by alanine, an amino acid with similar properties. This amino acid position is conserved. In addition, this alteration is predicted to be tolerated by in silico analysis. Based on the available evidence, the clinical significance of this alteration remains unclear.

GeneDx
Classification: Uncertain significance. Last evaluated: 2019-07-11. Review status: criteria provided, single submitter. Criteria: GeneDx Variant Classification Process June 2021. Collection method: clinical testing. Allele origin: germline. Affected: yes.

Laboratory for Molecular Medicine, Mass General Brigham Personalized Medicine
Classification: Likely benign. Last evaluated: 2016-06-24. Review status: criteria provided, single submitter. Criteria: LMM Criteria. Collection method: clinical testing. Allele origin: germline. Observed: 1 variant allele.
Comment: p.Thr198Ala in exon 7 of TRDN: This variant is not expected to have clinical sig nificance due to a lack of conservation across species, including mammals. Of no te, >5 mammals have an alanine (Ala) at this position despite high nearby amino acid conservation. In addition, computational prediction tools do not suggest a high likelihood of impact to the protein.

NM_006073.4(TRDN):c.592A>G (p.Thr198Ala)

Gene: TRDN (triadin; minus strand). Cytogenetic location: 6q22.31.
Variant type: single nucleotide variant.
Coding change: c.592A>G on transcript NM_006073.4 (MANE Select); coding-DNA position 592, A replaced by G.
Protein change: p.Thr198Ala; replaces threonine 198 with alanine.
Molecular consequence: missense variant.
Genome position (GRCh38, 1-based): chr6:123,512,321, T>C on the plus strand (A>G on the coding strand, the complement: TRDN is on the minus strand). VCF-style: chr6-123512321-T-C. GRCh37 (hg19) VCF-style: chr6-123833466-T-C.
Other names: c.592A>G, p.Thr198Ala (NM_001251987.2, NM_001256020.2, NM_001256021.2); c.592A>G (NM_006073.2); short protein forms T198A.
Identifiers: ClinVar variation 505152 (VCV000505152.8), dbSNP rs952211002, ClinGen allele CA147289292.